The following is an entry in ClinVar:

NM_000925.4(PDHB):c.803del (p.Met268fs)

Gene: PDHB (pyruvate dehydrogenase E1 subunit beta; minus strand). Cytogenetic location: 3p14.3.
Variant type: Deletion.
Coding change: c.803del on transcript NM_000925.4 (MANE Select); coding-DNA position 803, one base deleted (T; older notation c.803delT).
Protein change: p.Met268fs; shifts the reading frame from methionine 268.
Molecular consequence: frameshift variant. On other transcripts: non-coding transcript variant (1).
Genome position (GRCh38, 1-based): chr3:58,428,604, A deleted on the plus strand (T on the coding strand, the reverse complement: PDHB is on the minus strand). VCF-style (leftmost placement, unchanged base first): chr3-58428603-CA-C. GRCh37 (hg19) VCF-style: chr3-58414330-CA-C.
Other names: c.749del, p.Met250fs (NM_001173468.2, NM_001315536.2); short protein forms M250fs, M268fs.
Identifiers: ClinVar variation 2834403 (VCV002834403.3), dbSNP rs2471363904, ClinGen allele CA2739279256.

ClinVar aggregate classification (germline): Pathogenic (1 of 4 stars; one submission).

Conditions:
Pyruvate dehydrogenase E1-beta deficiency (PDHBD). Identifiers: Orphanet 255138, Orphanet 765, MedGen C3279841, MONDO:0013580, OMIM 614111.

Submission:

Labcorp Genetics (formerly Invitae), Labcorp
Classification: Pathogenic for Pyruvate dehydrogenase E1-beta deficiency. Last evaluated: 2023-02-04. Review status: criteria provided, single submitter. Criteria: Invitae Variant Classification Sherloc (09022015). Collection method: clinical testing. Allele origin: germline.
Comment: For these reasons, this variant has been classified as Pathogenic. This variant has not been reported in the literature in individuals affected with PDHB-related conditions. This variant is not present in population databases (gnomAD no frequency). This sequence change creates a premature translational stop signal (p.Met268Serfs*12) in the PDHB gene. It is expected to result in an absent or disrupted protein product. Loss-of-function variants in PDHB are known to be pathogenic (PMID: 21914562, 25356417).

Literature cited by the submitters: PubMed 21914562; PubMed 25356417.